The following is an entry in ClinVar:

NM_001103.4(ACTN2):c.358G>A (p.Glu120Lys)

Gene: ACTN2 (actinin alpha 2; plus strand). Cytogenetic location: 1q43.
Variant type: single nucleotide variant.
Coding change: c.358G>A on transcript NM_001103.4 (MANE Select); coding-DNA position 358, G replaced by A.
Protein change: p.Glu120Lys; replaces glutamic acid 120 with lysine.
Molecular consequence: missense variant. On other transcripts: non-coding transcript variant (1).
Genome position (GRCh38, 1-based): chr1:236,719,010, G>A. VCF-style: chr1-236719010-G-A. GRCh37 (hg19) VCF-style: chr1-236882310-G-A.
Other names: c.358G>A, p.Glu120Lys (NM_001278343.2); short protein forms E120K.
Identifiers: ClinVar variation 3826323 (VCV003826323.1).
Genomic context (GRCh38, chr1:236,719,010, plus strand): 5'-GTCAACAAAGCTTTGGATTACATAGCCAGCAAAGGGGTGAAACTGGTGTCCATTGGCGCT[G>A]AAGGTGAGAGGTGTGGTGGGTGGTCCTGTCTGCCACACTGACCTAATAGCGTAGGTGTGG-3'
Protein context (NP_001094.1, residues 110-130): KGVKLVSIGA[Glu120Lys]EIVDGNVKMT

ClinVar aggregate classification (germline): Uncertain significance (1 of 4 stars; one submission).

Conditions:
Cardiovascular phenotype. Identifiers: MedGen CN230736.

Submission:

Ambry Genetics
Classification: Uncertain significance for Cardiovascular phenotype. Last evaluated: 2025-01-16. Review status: criteria provided, single submitter. Criteria: Ambry Variant Classification Scheme 2023. Collection method: clinical testing. Allele origin: germline.
Comment: The p.E120K variant (also known as c.358G>A), located in coding exon 3 of the ACTN2 gene, results from a G to A substitution at nucleotide position 358. The glutamic acid at codon 120 is replaced by lysine, an amino acid with similar properties. This amino acid position is conserved. In addition, this alteration is predicted to be deleterious by in silico analysis. Based on the available evidence, the clinical significance of this variant remains unclear.